The following is an entry in ClinVar:

ClinVar aggregate classification (germline): Likely benign (1 of 4 stars; one submission).

Conditions:
SEMA3C-related disorder. Also called: SEMA3C-related condition.

Submission:

PreventionGenetics, part of Exact Sciences
Classification: Likely benign for SEMA3C-related condition. Last evaluated: 2026-08-18. Review status: criteria provided, single submitter. Criteria: ACMG Guidelines, 2015. Collection method: clinical testing. Allele origin: germline.
Comment: This variant is classified as likely benign based on ACMG/AMP sequence variant interpretation guidelines (Richards et al. 2015 PMID: 25741868, with internal and published modifications).

NM_006379.5(SEMA3C):c.744G>A (p.Leu248=)

Gene: SEMA3C (semaphorin 3C; minus strand). Cytogenetic location: 7q21.11.
Variant type: single nucleotide variant.
Coding change: c.744G>A on transcript NM_006379.5 (MANE Select); coding-DNA position 744, G replaced by A.
Protein change: p.Leu248=; no amino-acid change (leucine 248 retained).
Molecular consequence: synonymous variant.
Genome position (GRCh38, 1-based): chr7:80,804,163, C>T on the plus strand (G>A on the coding strand, the complement: SEMA3C is on the minus strand). VCF-style: chr7-80804163-C-T. GRCh37 (hg19) VCF-style: chr7-80433479-C-T.
Other names: c.798G>A, p.Leu266= (NM_001350120.2); c.570G>A, p.Leu190= (NM_001350121.2).
Identifiers: ClinVar variation 5000516 (VCV005000516.1).
Genomic context (GRCh38, chr7:80,804,163, plus strand): 5'-TACAGGACATATTCGAGCAATCATGGAATGAATCTGTTTCGTGCTCCTGTTATTGTCAGT[C>T]AGTTTTTCTTTGAAGAAGAAGTACACCTTAGCATCATTTGGATCAGTACCATCTGGGATG-3'
Protein context (NP_006370.1, residues 238-258): AKVYFFFKEK[Leu248=]TDNNRSTKQI